The following is an entry in ClinVar:

ClinVar aggregate classification (germline): Uncertain significance (1 of 4 stars; one submission).

Conditions:
Facioscapulohumeral muscular dystrophy 2 (FSHD2). Also called: MUSCULAR DYSTROPHY, FACIOSCAPULOHUMERAL, TYPE 1B; FACIOSCAPULOHUMERAL MUSCULAR DYSTROPHY 2, DIGENIC; FSHD2, DIGENIC. Identifiers: Orphanet 269, MedGen C1834671, MONDO:0008031, OMIM 158901.

Allele frequency attached by ClinVar (database versions not stated): ExAC 0.00001.
gnomAD v4.1: 1 of 1,605,870 alleles (0.000062%); highest among the groups gnomAD compares: Admixed American, 0.0017%; no homozygotes.

Submission:

Labcorp Genetics (formerly Invitae), Labcorp
Classification: Uncertain significance for Facioscapulohumeral muscular dystrophy 2. Last evaluated: 2022-01-08. Review status: criteria provided, single submitter. Criteria: Invitae Variant Classification Sherloc (09022015). Collection method: clinical testing. Allele origin: germline.
Comment: This sequence change replaces proline, which is neutral and non-polar, with alanine, which is neutral and non-polar, at codon 1896 of the SMCHD1 protein (p.Pro1896Ala). In summary, the available evidence is currently insufficient to determine the role of this variant in disease. Therefore, it has been classified as a Variant of Uncertain Significance. Algorithms developed to predict the effect of missense changes on protein structure and function (SIFT, PolyPhen-2, Align-GVGD) all suggest that this variant is likely to be disruptive. This variant has not been reported in the literature in individuals affected with SMCHD1-related conditions. This variant is present in population databases (rs769617610, gnomAD 0.003%).

NM_015295.3(SMCHD1):c.5686C>G (p.Pro1896Ala)

Gene: SMCHD1 (structural maintenance of chromosomes flexible hinge domain containing 1; plus strand). Cytogenetic location: 18p11.32.
Variant type: single nucleotide variant.
Coding change: c.5686C>G on transcript NM_015295.3 (MANE Select); coding-DNA position 5686, C replaced by G.
Protein change: p.Pro1896Ala; replaces proline 1896 with alanine.
Molecular consequence: missense variant.
Genome position (GRCh38, 1-based): chr18:2,784,588, C>G. VCF-style: chr18-2784588-C-G. GRCh37 (hg19) VCF-style: chr18-2784586-C-G.
Other names: short protein forms P1896A.
Identifiers: ClinVar variation 1968427 (VCV001968427.5), dbSNP rs769617610, ClinGen allele CA8871760.